The following is an entry in ClinVar:

ClinVar aggregate classification (germline): Uncertain significance (1 of 4 stars; one submission).

Submission:

Mayo Clinic Laboratories, Mayo Clinic
Classification: Uncertain significance. Last evaluated: 2024-10-03. Review status: criteria provided, single submitter. Criteria: ACMG Guidelines, 2015. Collection method: clinical testing. Allele origin: germline. Observed: 1 variant allele.
Comment: PM2_supporting, PVS1_moderate

Literature cited by the submitters: PubMed 23521701; PubMed 29496701; PubMed 34408521.

NM_015175.3(NBEAL2):c.8143del (p.Val2715fs)

Gene: NBEAL2 (neurobeachin like 2; plus strand). Cytogenetic location: 3p21.31.
Variant type: Deletion.
Coding change: c.8143del on transcript NM_015175.3 (MANE Select); coding-DNA position 8143, one base deleted (G; older notation c.8143delG).
Protein change: p.Val2715fs; shifts the reading frame from valine 2715.
Molecular consequence: frameshift variant.
Genome position (GRCh38, 1-based): chr3:47,009,104, G deleted; the last of 2 consecutive G bases (chr3:47,009,103-47,009,104); deleting either gives the same sequence. VCF-style (leftmost placement, unchanged base first): chr3-47009102-TG-T. GRCh37 (hg19) VCF-style: chr3-47050592-TG-T.
Other names: p.Val2715Serfs*151; c.8041del, p.Val2681fs (NM_001365116.2); short protein forms V2681fs, V2715fs.
Identifiers: ClinVar variation 4540865 (VCV004540865.1).